The following is an entry in ClinVar:

ClinVar aggregate classification (germline): Uncertain significance (1 of 4 stars; one submission).

Conditions:
GLUT1 deficiency syndrome 1, autosomal recessive. Identifiers: MedGen C3149117.

Submission:

Labcorp Genetics (formerly Invitae), Labcorp
Classification: Uncertain significance for GLUT1 deficiency syndrome 1, autosomal recessive. Last evaluated: 2025-11-21. Review status: criteria provided, single submitter. Criteria: Invitae Variant Classification Sherloc (09022015). Collection method: clinical testing. Allele origin: germline.
Comment: This sequence change replaces proline, which is neutral and non-polar, with serine, which is neutral and polar, at codon 431 of the SLC2A1 protein (p.Pro431Ser). This variant is not present in population databases (gnomAD no frequency). This variant has not been reported in the literature in individuals affected with SLC2A1-related conditions. Invitae Evidence Modeling of protein sequence and biophysical properties (such as structural, functional, and spatial information, amino acid conservation, physicochemical variation, residue mobility, and thermodynamic stability) has been performed for this missense variant. However, the output from this modeling did not meet the statistical confidence thresholds required to predict the impact of this variant on SLC2A1 protein function. In summary, the available evidence is currently insufficient to determine the role of this variant in disease. Therefore, it has been classified as a Variant of Uncertain Significance.

NM_006516.4(SLC2A1):c.1291C>T (p.Pro431Ser)

Gene: SLC2A1 (solute carrier family 2 member 1; minus strand). Cytogenetic location: 1p34.2.
Variant type: single nucleotide variant.
Coding change: c.1291C>T on transcript NM_006516.4 (MANE Select); coding-DNA position 1291, C replaced by T.
Protein change: p.Pro431Ser; replaces proline 431 with serine.
Molecular consequence: missense variant.
Genome position (GRCh38, 1-based): chr1:42,927,229, G>A on the plus strand (C>T on the coding strand, the complement: SLC2A1 is on the minus strand). VCF-style: chr1-42927229-G-A. GRCh37 (hg19) VCF-style: chr1-43392900-G-A.
Other names: short protein forms P431S.
Identifiers: ClinVar variation 4710484 (VCV004710484.1).